The following is an entry in ClinVar:

ClinVar aggregate classification (germline): Uncertain significance (1 of 4 stars; one submission).

gnomAD v4.1: 1 of 1,613,238 alleles (0.000062%); highest among the groups gnomAD compares: Non-Finnish European, 0.000085%; no homozygotes.

Submission:

Dasa
Classification: Uncertain significance. Last evaluated: 2025-08-21. Review status: criteria provided, single submitter. Criteria: DASA Assertion Criteria. Collection method: clinical testing. Allele origin: germline.
Comment: NM_005732.4(RAD50):c.3739C>T (p.His1247Tyr) is a missense variant that results in the substitution of histidine with tyrosine. This variant is rare in population databases. Computational prediction algorithms are consistent with a benign effect. The currently available literature and clinical evidence are not sufficient to establish a definitive association between this variant and the reported condition. Therefore, this variant is classified as a variant of uncertain significance.

NM_005732.4(RAD50):c.3739C>T (p.His1247Tyr)

Genes: RAD50 (RAD50 double strand break repair protein; plus strand), TH2-LCR (Th2 cytokine locus control region; plus strand), TH2LCRR (T helper type 2 locus control region associated RNA; minus strand). Cytogenetic location: 5q31.1.
Variant type: single nucleotide variant.
Coding change: c.3739C>T on transcript NM_005732.4 (MANE Select); coding-DNA position 3739, C replaced by T.
Protein change: p.His1247Tyr; replaces histidine 1247 with tyrosine.
Molecular consequence: missense variant.
Genome position (GRCh38, 1-based): chr5:132,640,792, C>T. VCF-style: chr5-132640792-C-T. GRCh37 (hg19) VCF-style: chr5-131976484-C-T.
Other names: short protein forms H1247Y.
Identifiers: ClinVar variation 5020879 (VCV005020879.1).